The following is an entry in ClinVar:

ClinVar aggregate classification (germline): Likely benign (1 of 4 stars; one submission).

Submission:

CeGaT Center for Human Genetics Tuebingen
Classification: Likely benign. Last evaluated: 2026-06-01. Review status: criteria provided, single submitter. Criteria: CeGaT Center For Human Genetics Tuebingen Variant Classification Criteria Version 2. Collection method: clinical testing. Allele origin: germline. Affected: yes. Observed: 2 variant alleles.
Comment: DST: PM2:Supporting, BP4, BP7

NM_001374736.1(DST):c.11241G>T (p.Val3747=)

Gene: DST (dystonin; minus strand). Cytogenetic location: 6p12.1.
Variant type: single nucleotide variant.
Coding change: c.11241G>T on transcript NM_001374736.1 (MANE Select); coding-DNA position 11241, G replaced by T.
Protein change: p.Val3747=; no amino-acid change (valine 3747 retained).
Molecular consequence: synonymous variant. On other transcripts: intron variant (6).
Genome position (GRCh38, 1-based): chr6:56,602,948, C>A on the plus strand (G>T on the coding strand, the complement: DST is on the minus strand). VCF-style: chr6-56602948-C-A. GRCh37 (hg19) VCF-style: chr6-56467746-C-A.
Other names: c.11241G>T, p.Val3747= (NM_001374722.1); c.10608G>T, p.Val3536= (NM_001374729.1); c.11268G>T, p.Val3756= (NM_001374734.1); c.5185-2727G>T (NM_001144769.5); c.4771-2727G>T (NM_001144770.2); c.4651-2727G>T (NM_001374730.1, NM_001386100.1, NM_183380.4); c.3673-2727G>T (NM_015548.5).
Identifiers: ClinVar variation 4822450 (VCV004822450.4).